The following is an entry in ClinVar:

NM_014874.4(MFN2):c.1945C>T (p.Arg649Cys)

Gene: MFN2 (mitofusin 2; plus strand). Cytogenetic location: 1p36.22.
Variant type: single nucleotide variant.
Coding change: c.1945C>T on transcript NM_014874.4 (MANE Select); coding-DNA position 1945, C replaced by T.
Protein change: p.Arg649Cys; replaces arginine 649 with cysteine.
Molecular consequence: missense variant.
Genome position (GRCh38, 1-based): chr1:12,007,125, C>T. VCF-style: chr1-12007125-C-T. GRCh37 (hg19) VCF-style: chr1-12067182-C-T.
Other names: c.1945C>T, p.Arg649Cys (NM_001127660.2); short protein forms R649C.
Identifiers: ClinVar variation 4077141 (VCV004077141.2).
Genomic context (GRCh38, chr1:12,007,125, plus strand): 5'-GTGGGCTGGCGGCTCATTGCCCTCTCCTTTGGGCTCTATGGCCTCCTCTACGTCTATGAG[C>T]GTCTGACCTGGACCACCAAGGCCAAGGAGAGGGCCTTCAAGCGCCAGTTTGTGGAGCATG-3'
Protein context (NP_055689.1, residues 639-659): GLYGLLYVYE[Arg649Cys]LTWTTKAKER

ClinVar aggregate classification (germline): Uncertain significance. Review status: criteria provided, multiple submitters, no conflicts (2 of 4 stars). 2 submissions from 2 submitters: Uncertain significance (2). Last evaluated 2024-12-02.

Conditions:
MFN2-related disorder. Also called: MFN2-related disorders; MFN2-related condition.
Neuropathy, hereditary motor and sensory, type 6A (HMSN6A). Also called: NEUROPATHY, HEREDITARY MOTOR AND SENSORY, TYPE VIA; NEUROPATHY, HEREDITARY MOTOR AND SENSORY, TYPE VIA, WITH OPTIC ATROPHY; HMSN VIA; CHARCOT-MARIE-TOOTH DISEASE, TYPE 6A. Identifiers: MedGen CN305336, MONDO:0011002, OMIM 601152.

gnomAD v4.1: 12 of 1,614,202 alleles (0.00074%); highest among the groups gnomAD compares: South Asian, 0.0011%; no homozygotes.

Submissions (2):

PreventionGenetics, part of Exact Sciences
Classification: Uncertain significance for MFN2-related condition. Last evaluated: 2024-12-02. Review status: criteria provided, single submitter. Criteria: ACMG Guidelines, 2015. Collection method: clinical testing. Allele origin: germline.
Comment: The MFN2 c.1945C>T variant is predicted to result in the amino acid substitution p.Arg649Cys. To our knowledge, this variant has not been reported in the literature. This variant is reported in 0.0033% of alleles in individuals of South Asian descent in gnomAD. At this time, the clinical significance of this variant is uncertain due to the absence of conclusive functional and genetic evidence.

Neuberg Centre For Genomic Medicine, NCGM
Classification: Uncertain significance for Neuropathy, hereditary motor and sensory, type 6A. Review status: criteria provided, single submitter. Criteria: ACMG Guidelines, 2015. Collection method: clinical testing. Allele origin: germline. Inheritance: Autosomal dominant inheritance. Affected: yes.